The following is an entry in ClinVar:

NM_032638.5(GATA2):c.657G>T (p.Glu219Asp)

Gene: GATA2 (GATA binding protein 2; minus strand). Cytogenetic location: 3q21.3.
Variant type: single nucleotide variant.
Coding change: c.657G>T on transcript NM_032638.5 (MANE Select); coding-DNA position 657, G replaced by T.
Protein change: p.Glu219Asp; replaces glutamic acid 219 with aspartic acid.
Molecular consequence: missense variant.
Genome position (GRCh38, 1-based): chr3:128,485,941, C>A on the plus strand (G>T on the coding strand, the complement: GATA2 is on the minus strand). VCF-style: chr3-128485941-C-A. GRCh37 (hg19) VCF-style: chr3-128204784-C-A.
Other names: c.657G>T, p.Glu219Asp (NM_001145661.2, NM_001145662.1); short protein forms E219D.
Identifiers: ClinVar variation 1052524 (VCV001052524.10), dbSNP rs138688940, ClinGen allele CA354406319.

ClinVar aggregate classification (germline): Uncertain significance. Review status: criteria provided, multiple submitters, no conflicts (2 of 4 stars). 2 submissions from 2 submitters: Uncertain significance (2). Last evaluated 2024-12-02.

Conditions:
Deafness-lymphedema-leukemia syndrome. Also called: Emberger syndrome; Lymphedema, primary, with myelodysplasia. Identifiers: Orphanet 3226, MedGen C3279664, MONDO:0013540, OMIM 614038.
Monocytopenia with susceptibility to infections. Also called: MONOCYTOPENIA AND MYCOBACTERIAL INFECTION SYNDROME; MONOCYTOPENIA WITH SUSCEPTIBILITY TO MYCOBACTERIAL, FUNGAL, AND PAPILLOMAVIRUS INFECTIONS AND MYELODYSPLASIA; COMBINED IMMUNODEFICIENCY WITH SUSCEPTIBILITY TO MYCOBACTERIAL, VIRAL, AND FUNGAL INFECTIONS; Dendritic cell, monocyte, B lymphocyte, and natural killer lymphocyte deficiency; IMMUNODEFICIENCY 21; GATA2 DEFICIENCY. Identifiers: Orphanet 228423, MedGen C3280030, MONDO:0013607, OMIM 614172.

Submissions (2):

Labcorp Genetics (formerly Invitae), Labcorp
Classification: Uncertain significance for Monocytopenia with susceptibility to infections; Deafness-lymphedema-leukemia syndrome. Last evaluated: 2024-12-02. Review status: criteria provided, single submitter. Criteria: Invitae Variant Classification Sherloc (09022015). Collection method: clinical testing. Allele origin: germline.
Comment: This sequence change replaces glutamic acid, which is acidic and polar, with aspartic acid, which is acidic and polar, at codon 219 of the GATA2 protein (p.Glu219Asp). This variant is not present in population databases (gnomAD no frequency). This variant has not been reported in the literature in individuals affected with GATA2-related conditions. ClinVar contains an entry for this variant (Variation ID: 1052524). Invitae Evidence Modeling of protein sequence and biophysical properties (such as structural, functional, and spatial information, amino acid conservation, physicochemical variation, residue mobility, and thermodynamic stability) indicates that this missense variant is not expected to disrupt GATA2 protein function with a negative predictive value of 95%. In summary, the available evidence is currently insufficient to determine the role of this variant in disease. Therefore, it has been classified as a Variant of Uncertain Significance.

GeneDx
Classification: Uncertain significance. Last evaluated: 2022-05-17. Review status: criteria provided, single submitter. Criteria: GeneDx Variant Classification Process June 2021. Collection method: clinical testing. Allele origin: germline. Affected: yes.
Comment: Not observed at significant frequency in large population cohorts (gnomAD); In silico analysis supports that this missense variant does not alter protein structure/function; Has not been previously published as pathogenic or benign to our knowledge